The following is an entry in ClinVar:

NM_001845.6(COL4A1):c.3859G>T (p.Gly1287Ter)

Gene: COL4A1 (collagen type IV alpha 1 chain; minus strand). Cytogenetic location: 13q34.
Variant type: single nucleotide variant.
Coding change: c.3859G>T on transcript NM_001845.6 (MANE Select); coding-DNA position 3859, G replaced by T.
Protein change: p.Gly1287Ter; replaces glycine 1287 with a stop codon.
Molecular consequence: nonsense.
Genome position (GRCh38, 1-based): chr13:110,169,646, C>A on the plus strand (G>T on the coding strand, the complement: COL4A1 is on the minus strand). VCF-style: chr13-110169646-C-A. GRCh37 (hg19) VCF-style: chr13-110821993-C-A.
Other names: short protein forms G1287*.
Identifiers: ClinVar variation 4077092 (VCV004077092.1).
Genomic context (GRCh38, chr13:110,169,646, plus strand): 5'-AAAGACTCCTTTAAAAATAAAAATCTACAAATCAATAACTCACAGGCATGCCCTGGAATC[C>A]AGGGTCTCCCTTGGGCCCTGGGACACCGGGTGCTCCTGGCCAGCCTGGATTTCCTTTGTC-3'

ClinVar aggregate classification (germline): Likely pathogenic (1 of 4 stars; one submission).

Conditions:
Autosomal dominant familial hematuria-retinal arteriolar tortuosity-contractures syndrome. Also called: Angiopathy, hereditary, with nephropathy, aneurysms, and muscle cramps; Hereditary Angiopathy with Nephropathy, Aneurysms, and Muscle Cramps (HANAC) Syndrome. Identifiers: Orphanet 73229, MedGen C2673195, MONDO:0012726, OMIM 611773.

Submission:

MVZ Medizinische Genetik Mainz
Classification: Likely pathogenic for Autosomal dominant familial hematuria-retinal arteriolar tortuosity-contractures syndrome. Last evaluated: 2025-07-29. Review status: criteria provided, single submitter. Criteria: UK Practice Guidelines For Variant Classification V4 01 2020. Collection method: clinical testing. Allele origin: germline. Inheritance: Autosomal dominant inheritance. Affected: yes. Observed: 1 variant allele.
Comment: ACMG Criteria: PVS1,PM2_SUP